The following is an entry in ClinVar:

NM_004984.4(KIF5A):c.2539C>A (p.Leu847Met)

Gene: KIF5A (kinesin family member 5A; plus strand). Cytogenetic location: 12q13.3.
Variant type: single nucleotide variant.
Coding change: c.2539C>A on transcript NM_004984.4 (MANE Select); coding-DNA position 2539, C replaced by A.
Protein change: p.Leu847Met; replaces leucine 847 with methionine.
Molecular consequence: missense variant.
Genome position (GRCh38, 1-based): chr12:57,580,956, C>A. VCF-style: chr12-57580956-C-A. GRCh37 (hg19) VCF-style: chr12-57974739-C-A.
Other names: c.2272C>A, p.Leu758Met (NM_001354705.2); short protein forms L758M, L847M.
Identifiers: ClinVar variation 2903135 (VCV002903135.3), dbSNP rs1003993907, ClinGen allele CA237790847.

ClinVar aggregate classification (germline): Uncertain significance (1 of 4 stars; one submission).

Conditions:
Spastic paraplegia. Identifiers: MedGen C0037772, HP:0001258.

Allele frequency attached by ClinVar (database versions not stated): gnomAD 0.00001; TOPMed 0.00001.
gnomAD v4.1: 1 of 1,613,736 alleles (0.000062%); highest among the groups gnomAD compares: Non-Finnish European, 0.000085%; no homozygotes.

Submission:

Labcorp Genetics (formerly Invitae), Labcorp
Classification: Uncertain significance for Spastic paraplegia. Last evaluated: 2024-07-21. Review status: criteria provided, single submitter. Criteria: Invitae Variant Classification Sherloc (09022015). Collection method: clinical testing. Allele origin: germline.
Comment: This sequence change replaces leucine, which is neutral and non-polar, with methionine, which is neutral and non-polar, at codon 847 of the KIF5A protein (p.Leu847Met). This variant is not present in population databases (gnomAD no frequency). This variant has not been reported in the literature in individuals affected with KIF5A-related conditions. An algorithm developed to predict the effect of missense changes on protein structure and function (PolyPhen-2) suggests that this variant is likely to be disruptive. In summary, the available evidence is currently insufficient to determine the role of this variant in disease. Therefore, it has been classified as a Variant of Uncertain Significance.